The following is an entry in ClinVar:

NM_198060.4(NRAP):c.3808G>A (p.Ala1270Thr)

Gene: NRAP (nebulin related anchoring protein; minus strand). Cytogenetic location: 10q25.3.
Variant type: single nucleotide variant.
Coding change: c.3808G>A on transcript NM_198060.4 (MANE Select); coding-DNA position 3808, G replaced by A.
Protein change: p.Ala1270Thr; replaces alanine 1270 with threonine.
Molecular consequence: missense variant.
Genome position (GRCh38, 1-based): chr10:113,605,869, C>T on the plus strand (G>A on the coding strand, the complement: NRAP is on the minus strand). VCF-style: chr10-113605869-C-T. GRCh37 (hg19) VCF-style: chr10-115365628-C-T.
Other names: c.3808G>A, p.Ala1270Thr (NM_001261463.2); c.3700G>A, p.Ala1234Thr (NM_001322945.2); c.3703G>A, p.Ala1235Thr (NM_006175.5); c.3808G>A (NM_198060.3); short protein forms A1234T, A1235T, A1270T.
Identifiers: ClinVar variation 3045409 (VCV003045409.3), dbSNP rs145560518, ClinGen allele CA5694632.

ClinVar aggregate classification (germline): Likely benign. Review status: criteria provided, single submitter (1 of 4 stars). 2 submissions from 2 submitters: Likely benign (1). 1 of the submissions does not count toward it. Last evaluated 2025-04-09.

Conditions:
NRAP-related disorder. Also called: NRAP-related condition.

Allele frequency attached by ClinVar (database versions not stated): ExAC 0.00033; 1000 Genomes Project 30x 0.00078; 1000 Genomes Project 0.00100; ESP Exome Variant Server 0.00108; gnomAD 0.00113; TOPMed 0.00128.
gnomAD v4.1: 318 of 1,608,376 alleles (0.02%); highest among the groups gnomAD compares: African/African-American, 0.38%; no homozygotes.

Submissions (2):

Molecular Diagnostic Laboratory for Inherited Cardiovascular Disease, Montreal Heart Institute
Classification: Likely benign. Last evaluated: 2025-04-09. Review status: criteria provided, single submitter. Criteria: ACMG Guidelines, 2015. Collection method: clinical testing. Allele origin: germline. Affected: no.
Comment: BP4

PreventionGenetics, part of Exact Sciences
Classification: Likely benign for NRAP-related condition. Last evaluated: 2023-02-24. Review status: no assertion criteria provided. Collection method: clinical testing. Allele origin: germline. Not counted in ClinVar's aggregate classification.
Comment: This variant is classified as likely benign based on ACMG/AMP sequence variant interpretation guidelines (Richards et al. 2015 PMID: 25741868, with internal and published modifications).